The following is an entry in ClinVar:

ClinVar aggregate classification (germline): Uncertain significance. Review status: criteria provided, multiple submitters, no conflicts (2 of 4 stars). 2 submissions from 2 submitters: Uncertain significance (2). Last evaluated 2025-05-07.

Conditions:
Autosomal dominant nocturnal frontal lobe epilepsy 1. Also called: CHRNA4-Related Nocturnal Frontal Lobe Epilepsy, Autosomal Dominant; EPILEPSY, NOCTURNAL FRONTAL LOBE, TYPE 1. Identifiers: Orphanet 98784, MedGen C1838049, MONDO:0010899, OMIM 600513.

Submissions (2):

GeneDx
Classification: Uncertain significance. Last evaluated: 2025-05-07. Review status: criteria provided, single submitter. Criteria: GeneDx Variant Classification Process June 2021. Collection method: clinical testing. Allele origin: germline. Affected: yes.
Comment: Not observed at significant frequency in large population cohorts (gnomAD); In silico analysis supports that this missense variant has a deleterious effect on protein structure/function; Has not been previously published as pathogenic or benign to our knowledge

Breda Genetics srl
Classification: Uncertain significance for Autosomal dominant nocturnal frontal lobe epilepsy 1. Last evaluated: 2020-07-31. Review status: criteria provided, single submitter. Criteria: ACMG Guidelines, 2015. Collection method: clinical testing. Allele origin: germline. Inheritance: Autosomal dominant inheritance. Affected: yes. Observed: 1 variant allele, 1 heterozygote.
Comment: The variant c.245T>C (p.Met82Thr), in the CHRNA4 gene, has not been reported in dbSNP, gnomAD, 1000 Genomes, NHLI Exome Sequencing Project (ESP) or ClinVar. In silico analysis indicates that the variant might be damaging (MutationTaster: damaging; FATHMM-MKL: damaging; Provean: damaging; DANN: 0.99, range 0-1, being 1 the most damaging). Based on ACMG variant interpretation guidelines, we classify this variant as uncertain. Based on the aforementioned evidence, there is a given likelihood that the variant may actually be pathogenic, even if we cannot exclude that it is a rare benign variant.

NM_000744.7(CHRNA4):c.245T>C (p.Met82Thr)

Genes: CHRNA4 (cholinergic receptor nicotinic alpha 4 subunit; minus strand), LOC126863087 (P300/CBP strongly-dependent group 1 enhancer GRCh37_chr20:61986832-61988031; plus strand). Cytogenetic location: 20q13.33.
Variant type: single nucleotide variant.
Coding change: c.245T>C on transcript NM_000744.7 (MANE Select); coding-DNA position 245, T replaced by C.
Protein change: p.Met82Thr; replaces methionine 82 with threonine.
Molecular consequence: missense variant. On other transcripts: 5 prime UTR variant (1), non-coding transcript variant (1).
Genome position (GRCh38, 1-based): chr20:63,356,399, A>G on the plus strand (T>C on the coding strand, the complement: CHRNA4 is on the minus strand). VCF-style: chr20-63356399-A-G. GRCh37 (hg19) VCF-style: chr20-61987751-A-G.
Other names: c.245T>C (NM_000744.5); c.-302T>C (NM_001256573.2); short protein forms M82T.
Identifiers: ClinVar variation 984910 (VCV000984910.4), dbSNP rs2068719750, ClinGen allele CA409641490.